The following is an entry in ClinVar:

ClinVar aggregate classification (germline): Uncertain significance. Review status: criteria provided, multiple submitters, no conflicts (2 of 4 stars). 2 submissions from 2 submitters: Uncertain significance (2). Last evaluated 2025-11-24.

Conditions:
Cardiovascular phenotype. Identifiers: MedGen CN230736.

gnomAD v4.1: 18 of 1,613,914 alleles (0.0011%); highest among the groups gnomAD compares: Non-Finnish European, 0.0013%; no homozygotes.

Submissions (2):

Labcorp Genetics (formerly Invitae), Labcorp
Classification: Uncertain significance. Last evaluated: 2025-11-24. Review status: criteria provided, single submitter. Criteria: Invitae Variant Classification Sherloc (09022015). Collection method: clinical testing. Allele origin: germline.
Comment: This sequence change replaces threonine, which is neutral and polar, with methionine, which is neutral and non-polar, at codon 728 of the ALPK3 protein (p.Thr728Met). This variant is present in population databases (rs750054593, gnomAD 0.003%). This variant has not been reported in the literature in individuals affected with ALPK3-related conditions. ClinVar contains an entry for this variant (Variation ID: 3533215). Invitae Evidence Modeling of protein sequence and biophysical properties (such as structural, functional, and spatial information, amino acid conservation, physicochemical variation, residue mobility, and thermodynamic stability) has been performed for this missense variant. However, the output from this modeling did not meet the statistical confidence thresholds required to predict the impact of this variant on ALPK3 protein function. In summary, the available evidence is currently insufficient to determine the role of this variant in disease. Therefore, it has been classified as a Variant of Uncertain Significance.

Ambry Genetics
Classification: Uncertain significance for Cardiovascular phenotype. Last evaluated: 2024-10-08. Review status: criteria provided, single submitter. Criteria: Ambry Variant Classification Scheme 2023. Collection method: clinical testing. Allele origin: germline.
Comment: The p.T728M variant (also known as c.2183C>T), located in coding exon 5 of the ALPK3 gene, results from a C to T substitution at nucleotide position 2183. The threonine at codon 728 is replaced by methionine, an amino acid with similar properties. This amino acid position is conserved. In addition, this alteration is predicted to be tolerated by in silico analysis. Based on the available evidence, the clinical significance of this variant remains unclear.

NM_020778.5(ALPK3):c.1577C>T (p.Thr526Met)

Genes: ALPK3 (alpha kinase 3; plus strand), LOC111718493 (skeletal muscle cis-regulatory module overlapping ALPK3; plus strand). Cytogenetic location: 15q25.3.
Variant type: single nucleotide variant.
Coding change: c.1577C>T on transcript NM_020778.5 (MANE Select); coding-DNA position 1577, C replaced by T.
Protein change: p.Thr526Met; replaces threonine 526 with methionine.
Molecular consequence: missense variant.
Genome position (GRCh38, 1-based): chr15:84,840,856, C>T. VCF-style: chr15-84840856-C-T. GRCh37 (hg19) VCF-style: chr15-85384087-C-T.
Other names: short protein forms T526M.
Identifiers: ClinVar variation 3533215 (VCV003533215.2).